The following is an entry in ClinVar:

ClinVar aggregate classification (germline): Conflicting classifications of pathogenicity. Review status: criteria provided, conflicting classifications (1 of 4 stars). 4 submissions from 4 submitters: Uncertain significance (1); Likely benign (3). Last evaluated 2026-01-27.

Conditions:
Ehlers-Danlos syndrome, classic type, 1 (EDSCL1). Also called: Ehlers-Danlos syndrome, type 1; Ehlers-Danlos Syndrome, Classic Type, COL5A1-Related; EDS I; EHLERS-DANLOS SYNDROME, GRAVIS TYPE; EHLERS-DANLOS SYNDROME, SEVERE CLASSIC TYPE. Identifiers: MedGen C0268335, MONDO:0019567, OMIM 130000.
Familial thoracic aortic aneurysm and aortic dissection (TAAD). Also called: Thoracic aortic aneurysms and dissections. Identifiers: Orphanet 91387, MedGen C4707243, MONDO:0019625.

Allele frequency attached by ClinVar (database versions not stated): ExAC 0.00001; gnomAD exomes 0.00002; gnomAD 0.00004 and 0.00005; TOPMed 0.00005; ESP Exome Variant Server 0.00008; 1000 Genomes Project 30x 0.00016; 1000 Genomes Project 0.00020.
gnomAD v4.1: 52 of 1,613,328 alleles (0.0032%); highest among the groups gnomAD compares: East Asian, 0.0045%; no homozygotes.

Submissions (4):

Labcorp Genetics (formerly Invitae), Labcorp
Classification: Uncertain significance for Ehlers-Danlos syndrome, classic type, 1. Last evaluated: 2026-01-27. Review status: criteria provided, single submitter. Criteria: Invitae Variant Classification Sherloc (09022015). Collection method: clinical testing. Allele origin: germline.
Comment: This sequence change affects codon 523 of the COL5A1 mRNA. It is a 'silent' change, meaning that it does not change the encoded amino acid sequence of the COL5A1 protein. It affects a nucleotide within the consensus splice site. This variant is present in population databases (rs138803413, gnomAD 0.007%). This variant has been observed in individual(s) with clinical features of Ehlers-Danlos syndrome (internal data). ClinVar contains an entry for this variant (Variation ID: 1480367). Algorithms developed to predict the effect of sequence changes on RNA splicing suggest that this variant is not likely to affect RNA splicing. In summary, the available evidence is currently insufficient to determine the role of this variant in disease. Therefore, it has been classified as a Variant of Uncertain Significance.

Mayo Clinic Laboratories, Mayo Clinic
Classification: Likely benign. Last evaluated: 2025-03-31. Review status: criteria provided, single submitter. Criteria: ACMG Guidelines, 2015. Collection method: clinical testing. Allele origin: germline. Observed: 1 variant allele.
Comment: BP4, BP7

Blueprint Genetics
Classification: Likely benign. Last evaluated: 2024-05-08. Review status: criteria provided, single submitter. Criteria: ACMG Guidelines, 2015. Collection method: clinical testing. Allele origin: germline.

Ambry Genetics
Classification: Likely benign for Familial thoracic aortic aneurysm and aortic dissection. Last evaluated: 2022-05-25. Review status: criteria provided, single submitter. Criteria: Ambry Variant Classification Scheme 2023. Collection method: clinical testing. Allele origin: germline.

NM_000093.5(COL5A1):c.1569C>T (p.Pro523=)

Gene: COL5A1 (collagen type V alpha 1 chain; plus strand). Cytogenetic location: 9q34.3.
Variant type: single nucleotide variant.
Coding change: c.1569C>T on transcript NM_000093.5 (MANE Select); coding-DNA position 1569, C replaced by T.
Protein change: p.Pro523=; no amino-acid change (proline 523 retained).
Molecular consequence: synonymous variant.
Genome position (GRCh38, 1-based): chr9:134,750,616, C>T. VCF-style: chr9-134750616-C-T. GRCh37 (hg19) VCF-style: chr9-137642462-C-T.
Other names: p.Pro523=; c.1569C>T, p.Pro523= (NM_001278074.1).
Identifiers: ClinVar variation 1480367 (VCV001480367.10), dbSNP rs138803413, ClinGen allele CA5318847.
Genomic context (GRCh38, chr9:134,750,616, plus strand): 5'-CCCAGGCCTTCCTGGGGCCGATGGCCTGCCCGGTCCTCCAGGAACCATGCTCATGCTGCC[C>T]GTGAGTACCCTTATCAGTCGGAGGTGGGGAGGCAGCTGGGGCAGGTGGGATCCAAACCAG-3'
Protein context (NP_000084.3, residues 513-533): PGPPGTMLML[Pro523=]FRFGGGGDAG